The following is an entry in ClinVar:

NM_052970.5(HSPA12B):c.741G>A (p.Ser247=)

Gene: HSPA12B (heat shock protein family A (Hsp70) member 12B; plus strand). Cytogenetic location: 20p13.
Variant type: single nucleotide variant.
Coding change: c.741G>A on transcript NM_052970.5 (MANE Select); coding-DNA position 741, G replaced by A.
Protein change: p.Ser247=; no amino-acid change (serine 247 retained).
Molecular consequence: synonymous variant.
Genome position (GRCh38, 1-based): chr20:3,748,282, G>A. VCF-style: chr20-3748282-G-A. GRCh37 (hg19) VCF-style: chr20-3728929-G-A.
Other names: c.738G>A, p.Ser246= (NM_001197327.2); c.483G>A, p.Ser161= (NM_001318322.2).
Identifiers: ClinVar variation 3898241 (VCV003898241.7).

ClinVar aggregate classification (germline): Likely benign (1 of 4 stars; one submission).

gnomAD v4.1: 10 of 1,609,480 alleles (0.00062%); highest among the groups gnomAD compares: South Asian, 0.0011%; no homozygotes.

Submission:

CeGaT Center for Human Genetics Tuebingen
Classification: Likely benign. Last evaluated: 2025-04-01. Review status: criteria provided, single submitter. Criteria: CeGaT Center For Human Genetics Tuebingen Variant Classification Criteria Version 2. Collection method: clinical testing. Allele origin: germline. Affected: yes. Observed: 1 variant allele.
Comment: HSPA12B: BP4, BP7